The following is an entry in ClinVar:

NM_001378454.1(ALMS1):c.6433C>T (p.Arg2145Ter)

Gene: ALMS1 (ALMS1 centrosome and basal body associated protein; plus strand). Cytogenetic location: 2p13.1.
Variant type: single nucleotide variant.
Coding change: c.6433C>T on transcript NM_001378454.1 (MANE Select); coding-DNA position 6433, C replaced by T.
Protein change: p.Arg2145Ter; replaces arginine 2145 with a stop codon.
Molecular consequence: nonsense.
Genome position (GRCh38, 1-based): chr2:73,452,960, C>T. VCF-style: chr2-73452960-C-T. GRCh37 (hg19) VCF-style: chr2-73680087-C-T.
Other names: NM_015120.4(ALMS1):c.6436C>T; p.Arg2146Ter; c.6436C>T, p.Arg2146Ter (NM_015120.4); short protein forms R2146*, R2145*.
Identifiers: ClinVar variation 210129 (VCV000210129.30), dbSNP rs770558150, ClinGen allele CA277244.

ClinVar aggregate classification (germline): Pathogenic. Review status: criteria provided, multiple submitters, no conflicts (2 of 4 stars). 11 submissions from 10 submitters: Pathogenic (10). 1 of the submissions does not count toward it. Last evaluated 2026-06-08.

Conditions:
Cardiovascular phenotype. Identifiers: MedGen CN230736.
Retinitis pigmentosa (RP). Identifiers: Orphanet 791, MedGen C0035334, MeSH D012174, MONDO:0019200, OMIM 268000. Inheritance: Autosomal dominant, autosomal recessive and X linked inheritance.
ALMS1-related disorder. Also called: ALMS1-related condition.
Alstrom syndrome (ALMS). Identifiers: Orphanet 64, MedGen C0268425, MONDO:0008763, OMIM 203800.

Allele frequency attached by ClinVar (database versions not stated): ExAC 0.00001; TOPMed 0.00002.
gnomAD v4.1: 19 of 1,612,294 alleles (0.0012%); highest among the groups gnomAD compares: East Asian, 0.0045%; no homozygotes.

Submissions (11):

Women's Health and Genetics/Laboratory Corporation of America, LabCorp
Classification: Pathogenic for Alstrom syndrome. Last evaluated: 2026-06-08. Review status: criteria provided, single submitter. Criteria: LabCorp Variant Classification Summary - May 2015. Collection method: clinical testing. Allele origin: germline.
Comment: Variant summary: ALMS1 c.6430C>T (p.Arg2144X) results in a premature termination codon, predicted to cause a truncation of the encoded protein or absence of the protein due to nonsense mediated decay, which are commonly known mechanisms for disease. The variant allele was found at a frequency of 1.6e-05 in 247544 control chromosomes (gnomAD). c.6430C>T has been observed in individuals affected with ALMS1-related conditions (e.g. Wang_2022). To our knowledge, no experimental evidence demonstrating an impact on protein function has been reported. The following publication has been ascertained in the context of this evaluation (PMID: 36206858). ClinVar contains an entry for this variant (Variation ID: 210129). Based on the evidence outlined above, the variant was classified as pathogenic.

Ambry Genetics
Classification: Pathogenic for Cardiovascular phenotype. Last evaluated: 2026-03-18. Review status: criteria provided, single submitter. Criteria: Ambry Variant Classification Scheme 2023. Collection method: clinical testing. Allele origin: germline.
Comment: The p.R2146* pathogenic mutation (also known as c.6436C>T), located in coding exon 8 of the ALMS1 gene, results from a C to T substitution at nucleotide position 6436. This changes the amino acid from an arginine to a stop codon within coding exon 8. This variant has been identified in the homozygous state and/or in conjunction with other ALMS1 variant(s) in individual(s) with features consistent with Alstrom syndrome (Long PA et al. Am J Med Genet A, 2015 Apr;167A:886-90). This alteration is expected to result in loss of function by premature protein truncation or nonsense-mediated mRNA decay. As such, this alteration is interpreted as a disease-causing mutation.

Labcorp Genetics (formerly Invitae), Labcorp
Classification: Pathogenic for Alstrom syndrome. Last evaluated: 2026-01-09. Review status: criteria provided, single submitter. Criteria: Invitae Variant Classification Sherloc (09022015). Collection method: clinical testing. Allele origin: germline.
Comment: This sequence change creates a premature translational stop signal (p.Arg2146*) in the ALMS1 gene. It is expected to result in an absent or disrupted protein product. Loss-of-function variants in ALMS1 are known to be pathogenic (PMID: 17594715). This variant is present in population databases (rs770558150, gnomAD 0.01%). This premature translational stop signal has been observed in individual(s) with Alstrom syndrome (PMID: 25706677; internal data). In at least one individual the data is consistent with being in trans (on the opposite chromosome) from a pathogenic variant. ClinVar contains an entry for this variant (Variation ID: 210129). For these reasons, this variant has been classified as Pathogenic.

Natera, Inc.
Classification: Pathogenic for Alstrom syndrome. Last evaluated: 2024-10-28. Review status: criteria provided, single submitter. Criteria: Natera Variant Classification Schema (03/2026). Collection method: clinical testing. Allele origin: germline.
Comment: The c.6436C>T variant in ALMS1 is a nonsense variant predicted to introduce a stop codon at amino acid 2146. This variant is expected to result in nonsense mediated decay, truncation, or a dysfunctional protein product. This variant is rare in the general population with a frequency below the threshold expected for the associated phenotype(s). This variant has been observed in one or more individuals affected with the associated recessive disease, as either homozygous or compound heterozygous with a second variant (PMID: 29718281, 25706677). Given the available evidence, this variant is classified as Pathogenic.

GeneDx
Classification: Pathogenic. Last evaluated: 2023-11-02. Review status: criteria provided, single submitter. Criteria: GeneDx Variant Classification Process June 2021. Collection method: clinical testing. Allele origin: germline. Affected: yes.
Comment: Nonsense variant predicted to result in protein truncation or nonsense mediated decay in a gene for which loss of function is a known mechanism of disease; Not observed at significant frequency in large population cohorts (gnomAD); This variant is associated with the following publications: (PMID: 31429209, 25706677, 33264725, 29718281, 25846608, 28724398, 29367541, 30064963, 28610912)

Fulgent Genetics
Classification: Pathogenic for Alstrom syndrome. Last evaluated: 2022-05-06. Review status: criteria provided, single submitter. Criteria: ACMG Guidelines, 2015. Collection method: clinical testing. Allele origin: unknown.

Broad Center for Mendelian Genomics, Broad Institute of MIT and Harvard
Classification: Pathogenic for Alstrom syndrome. Last evaluated: 2022-05-04. Review status: criteria provided, single submitter. Criteria: ACMG Guidelines, 2015. Collection method: curation. Allele origin: germline. Inheritance: Autosomal recessive inheritance.
Comment: The variant has been reported in 6 individuals of European, Chinese, and unknown ethnicity with Alstrom syndrome (PMID: 28724398, 25706677, 28112973, 28610912), and has been identified in 0.01% (2/17926) of East Asian chromosomes by the Genome Aggregation Database (gnomAD; dbSNP ID: rs770558150). Although this variant has been seen in the general population, its frequency is not high enough to rule out a pathogenic role. This variant has also been reported in ClinVar (Variation ID: 210129) as pathogenic by Genetic Services Laboratory, University of Chicago, Counsyl, Invitae, and Blueprint Genetics. This nonsense variant leads to a premature termination codon at position 2144, which is predicted to lead to a truncated or absent protein. Loss of function of the ALMS1 gene is an established disease mechanism in autosomal recessive Alstrom syndrome. The presence of this variant in 1 affected homozygote, in combination with reported likely pathogenic variants, and in 3 individuals with Alstrom syndrome increases the likelihood that the p.Arg2144Ter variant is pathogenic (Variant ID: 264657, 210127; PMID: 28724398, 25706677, 28610912). In summary, the p.Arg2144Ter variant is pathogenic based off the predicted loss of function effect and multiple occurrences of this variant in affected individuals. ACMG/AMP Criteria applied: PVS1, PM3_strong (Richards 2015).

Broad Center for Mendelian Genomics, Broad Institute of MIT and Harvard
Classification: Pathogenic for Retinitis pigmentosa. Last evaluated: 2021-04-01. Review status: criteria provided, single submitter. Criteria: ACMG Guidelines, 2015. Collection method: curation. Allele origin: germline. Inheritance: Autosomal recessive inheritance. Affected: yes.
Comment: Based on this evidence we have classified this variant as Pathogenic. If you have any questions about the classification please reach out to the Pierce Lab.

Blueprint Genetics
Classification: Pathogenic for ALMS1-related disorders. Last evaluated: 2021-01-14. Review status: criteria provided, single submitter. Criteria: ACMG Guidelines, 2015. Collection method: clinical testing. Allele origin: germline. Affected: yes. Observed: 3 variant alleles.

Genetic Services Laboratory, University of Chicago
Classification: Pathogenic for Alstrom syndrome. Last evaluated: 2014-05-06. Review status: criteria provided, single submitter. Criteria: ACMG Guidelines, 2015. Collection method: clinical testing. Allele origin: germline. Affected: yes.

Counsyl
Classification: Pathogenic for Alstrom syndrome. Last evaluated: 2017-05-18. Review status: no assertion criteria provided. Collection method: clinical testing. Allele origin: unknown. Not counted in ClinVar's aggregate classification.

Literature cited by the submitters: PubMed 36206858 (cited by Women's Health and Genetics/Laboratory Corporation of America, LabCorp); PubMed 25706677 (cited by 4 submitters); PubMed 17594715 (cited by Labcorp Genetics (formerly Invitae), Labcorp); PubMed 29718281 (cited by Natera, Inc.); PubMed 34906470 (cited by Broad Center for Mendelian Genomics, Broad Institute of MIT and Harvard); PubMed 25846608 (cited by Counsyl).